The following is an entry in ClinVar:

ClinVar aggregate classification (germline): Uncertain significance. Review status: criteria provided, multiple submitters, no conflicts (2 of 4 stars). 2 submissions from 2 submitters: Uncertain significance (2). Last evaluated 2022-06-14.

Conditions:
Hereditary cancer-predisposing syndrome. Also called: Tumor predisposition; Hereditary Cancer Syndrome; Neoplastic Syndromes, Hereditary; Hereditary neoplastic syndrome. Identifiers: Orphanet 140162, MedGen C0027672, MeSH D009386, MONDO:0015356.
Rhabdoid tumor predisposition syndrome 2 (RTPS2). Identifiers: Orphanet 231108, Orphanet 69077, MedGen C2750074, MONDO:0013224, OMIM 613325.

Submissions (2):

Labcorp Genetics (formerly Invitae), Labcorp
Classification: Uncertain significance for Rhabdoid tumor predisposition syndrome 2. Last evaluated: 2022-06-14. Review status: criteria provided, single submitter. Criteria: Invitae Variant Classification Sherloc (09022015). Collection method: clinical testing. Allele origin: germline.
Comment: This variant has not been reported in the literature in individuals affected with SMARCA4-related conditions. In summary, the available evidence is currently insufficient to determine the role of this variant in disease. Therefore, it has been classified as a Variant of Uncertain Significance. Algorithms developed to predict the effect of missense changes on protein structure and function are either unavailable or do not agree on the potential impact of this missense change (SIFT: "Deleterious"; PolyPhen-2: "Benign"; Align-GVGD: "Class C65"). This variant is not present in population databases (gnomAD no frequency). This sequence change replaces proline, which is neutral and non-polar, with serine, which is neutral and polar, at codon 846 of the SMARCA4 protein (p.Pro846Ser).

Ambry Genetics
Classification: Uncertain significance for Hereditary cancer-predisposing syndrome. Last evaluated: 2021-09-01. Review status: criteria provided, single submitter. Criteria: Ambry Variant Classification Scheme 2023. Collection method: clinical testing. Allele origin: germline.
Comment: The p.P846S variant (also known as c.2536C>T), located in coding exon 17 of the SMARCA4 gene, results from a C to T substitution at nucleotide position 2536. The proline at codon 846 is replaced by serine, an amino acid with similar properties. This amino acid position is highly conserved in available vertebrate species. In addition, the in silico prediction for this alteration is inconclusive. Missense and in-frame variants in SMARCA4 are known to cause neurodevelopmental disorders; however, such associations with rhabdoid tumor predisposition syndrome including small cell carcinoma of the ovary-hypercalcemic type (SCCOHT) are exceedingly rare (Kosho T et al. Am J Med Genet C Semin Med Genet. 2014 Sep;166C(3):262-75; Jelinic P et al. Nat Genet. 2014 May;46(5):424-6). Based on the supporting evidence, the association of this alteration with Coffin-Siris syndrome is unknown; however, the association of this alteration with rhabdoid tumor predisposition syndrome is unlikely.

NM_003072.5(SMARCA4):c.2536C>T (p.Pro846Ser)

Gene: SMARCA4 (SWI/SNF related BAF chromatin remodeling complex subunit ATPase 4; plus strand). Cytogenetic location: 19p13.2.
Variant type: single nucleotide variant.
Coding change: c.2536C>T on transcript NM_003072.5 (MANE Select); coding-DNA position 2536, C replaced by T.
Protein change: p.Pro846Ser; replaces proline 846 with serine.
Molecular consequence: missense variant. On other transcripts: non-coding transcript variant (1).
Genome position (GRCh38, 1-based): chr19:11,019,621, C>T. VCF-style: chr19-11019621-C-T. GRCh37 (hg19) VCF-style: chr19-11130297-C-T.
Other names: c.2536C>T, p.Pro846Ser (NM_001128844.3, NM_001128845.2, NM_001128846.2 and 6 more transcripts); short protein forms P846S.
Identifiers: ClinVar variation 1792764 (VCV001792764.7), dbSNP rs2089681158, ClinGen allele CA404054389.